The following is an entry in ClinVar:

NM_006231.4(POLE):c.4000G>A (p.Val1334Met)

Gene: POLE (DNA polymerase epsilon, catalytic subunit; minus strand). Cytogenetic location: 12q24.33.
Variant type: single nucleotide variant.
Coding change: c.4000G>A on transcript NM_006231.4 (MANE Select); coding-DNA position 4000, G replaced by A.
Protein change: p.Val1334Met; replaces valine 1334 with methionine.
Molecular consequence: missense variant.
Genome position (GRCh38, 1-based): chr12:132,649,311, C>T on the plus strand (G>A on the coding strand, the complement: POLE is on the minus strand). VCF-style: chr12-132649311-C-T. GRCh37 (hg19) VCF-style: chr12-133225897-C-T.
Other names: short protein forms V1334M.
Identifiers: ClinVar variation 1315497 (VCV001315497.2), dbSNP rs2138604719, ClinGen allele CA387384626.

ClinVar aggregate classification (germline): Uncertain significance (1 of 4 stars; one submission).

Submission:

GeneDx
Classification: Uncertain significance. Last evaluated: 2020-02-12. Review status: criteria provided, single submitter. Criteria: GeneDx Variant Classification Process June 2021. Collection method: clinical testing. Allele origin: germline. Affected: yes.
Comment: Has not been previously published as pathogenic or benign to our knowledge; Not observed in large population cohorts (Lek 2016); In silico analysis supports that this missense variant does not alter protein structure/function